The following is an entry in ClinVar:

NM_004937.3(CTNS):c.902A>G (p.Asn301Ser)

Gene: CTNS (cystinosin, lysosomal cystine transporter; plus strand). Cytogenetic location: 17p13.2.
Variant type: single nucleotide variant.
Coding change: c.902A>G on transcript NM_004937.3 (MANE Select); coding-DNA position 902, A replaced by G.
Protein change: p.Asn301Ser; replaces asparagine 301 with serine.
Molecular consequence: missense variant.
Genome position (GRCh38, 1-based): chr17:3,659,907, A>G. VCF-style: chr17-3659907-A-G. GRCh37 (hg19) VCF-style: chr17-3563201-A-G.
Other names: c.902A>G, p.Asn301Ser (NM_001031681.3, NM_001374492.1); c.461A>G, p.Asn154Ser (NM_001374493.1, NM_001374494.1, NM_001374495.1 and 1 more transcripts); short protein forms N154S, N301S.
Identifiers: ClinVar variation 1901620 (VCV001901620.4), dbSNP rs753578123, ClinGen allele CA8291952.

ClinVar aggregate classification (germline): Uncertain significance (1 of 4 stars; one submission).

Conditions:
Ocular cystinosis. Also called: Non-Nephropathic Cystinosis; Non-Nephropathic (Ocular) Cystinosis. Identifiers: Orphanet 213, Orphanet 411641, MedGen C2931013, MONDO:0009064, OMIM 219750.
Inborn genetic diseases. Identifiers: MedGen C0950123, MeSH D030342.
Juvenile nephropathic cystinosis. Also called: Intermediate Cystinosis; Later-Onset (Juvenile) Cystinosis; CYSTINOSIS, LATE-ONSET JUVENILE OR ADOLESCENT NEPHROPATHIC TYPE. Identifiers: Orphanet 213, Orphanet 411634, MedGen C0268626, MONDO:0009066, OMIM 219900.

Allele frequency attached by ClinVar (database versions not stated): ExAC 0.00001; gnomAD exomes 0.00001; TOPMed below 0.00001.
gnomAD v4.1: 8 of 1,613,990 alleles (0.0005%); highest among the groups gnomAD compares: Non-Finnish European, 0.00068%; no homozygotes.

Submission:

Labcorp Genetics (formerly Invitae), Labcorp
Classification: Uncertain significance for Inborn genetic diseases; Ocular cystinosis; Juvenile nephropathic cystinosis. Last evaluated: 2024-10-19. Review status: criteria provided, single submitter. Criteria: Invitae Variant Classification Sherloc (09022015). Collection method: clinical testing. Allele origin: germline.
Comment: This sequence change replaces asparagine, which is neutral and polar, with serine, which is neutral and polar, at codon 301 of the CTNS protein (p.Asn301Ser). This variant is present in population databases (rs753578123, gnomAD 0.0009%). This variant has not been reported in the literature in individuals affected with CTNS-related conditions. ClinVar contains an entry for this variant (Variation ID: 1901620). Invitae Evidence Modeling of protein sequence and biophysical properties (such as structural, functional, and spatial information, amino acid conservation, physicochemical variation, residue mobility, and thermodynamic stability) indicates that this missense variant is not expected to disrupt CTNS protein function with a negative predictive value of 80%. In summary, the available evidence is currently insufficient to determine the role of this variant in disease. Therefore, it has been classified as a Variant of Uncertain Significance.